The following is an entry in ClinVar:

NM_024753.5(TTC21B):c.368G>T (p.Arg123Leu)

Genes: TTC21B (tetratricopeptide repeat domain 21B; minus strand), TTC21B-AS1 (TTC21B antisense RNA 1; plus strand). Cytogenetic location: 2q24.3.
Variant type: single nucleotide variant.
Coding change: c.368G>T on transcript NM_024753.5 (MANE Select); coding-DNA position 368, G replaced by T.
Protein change: p.Arg123Leu; replaces arginine 123 with leucine.
Molecular consequence: missense variant.
Genome position (GRCh38, 1-based): chr2:165,945,585, C>A on the plus strand (G>T on the coding strand, the complement: TTC21B is on the minus strand). VCF-style: chr2-165945585-C-A. GRCh37 (hg19) VCF-style: chr2-166802095-C-A.
Other names: short protein forms R123L.
Identifiers: ClinVar variation 1448937 (VCV001448937.8), dbSNP rs370484375, ClinGen allele CA349053628.
Genomic context (GRCh38, chr2:165,945,585, plus strand): 5'-TGTTTACTACCATCTGATATTTTGATCATTCTGTCAATATATTCCCTTGCTTTATCATGG[C>A]GACCAATGTGCCATAAAAATAAGCCTGCATGGTATAAGGCTTTCTCTCCAGCTCCTTTAC-3'
Protein context (NP_079029.3, residues 113-133): HAGLFLWHIG[Arg123Leu]HDKAREYIDR

ClinVar aggregate classification (germline): Uncertain significance (1 of 4 stars; one submission).

Conditions:
Nephronophthisis. Also called: Juvenile Nephronophthisis. Identifiers: Orphanet 655, MedGen C0687120, MONDO:0019005, HP:0000090.
Jeune thoracic dystrophy. Also called: Jeune syndrome; Infantile thoracic dystrophy; Thoracic pelvic phalangeal dystrophy; Jeune's syndrome; Chondroectodermal dysplasia-like syndrome; Short-rib thoracic dysplasia. Identifiers: Orphanet 474, MedGen C0265275, MONDO:0018770.

Submission:

Labcorp Genetics (formerly Invitae), Labcorp
Classification: Uncertain significance for Jeune thoracic dystrophy; Nephronophthisis. Last evaluated: 2021-04-12. Review status: criteria provided, single submitter. Criteria: Invitae Variant Classification Sherloc (09022015). Collection method: clinical testing. Allele origin: germline.
Comment: In summary, the available evidence is currently insufficient to determine the role of this variant in disease. Therefore, it has been classified as a Variant of Uncertain Significance. Algorithms developed to predict the effect of missense changes on protein structure and function are either unavailable or do not agree on the potential impact of this missense change (SIFT: "Deleterious"; PolyPhen-2: "Possibly Damaging"; Align-GVGD: "Class C0"). This variant has not been reported in the literature in individuals with TTC21B-related conditions. This variant is not present in population databases (ExAC no frequency). This sequence change replaces arginine with leucine at codon 123 of the TTC21B protein (p.Arg123Leu). The arginine residue is highly conserved and there is a moderate physicochemical difference between arginine and leucine.